The following is an entry in ClinVar:

NM_001330691.3(CEP78):c.1208G>A (p.Gly403Asp)

Gene: CEP78 (centrosomal protein 78; plus strand). Cytogenetic location: 9q21.2.
Variant type: single nucleotide variant.
Coding change: c.1208G>A on transcript NM_001330691.3 (MANE Select); coding-DNA position 1208, G replaced by A.
Protein change: p.Gly403Asp; replaces glycine 403 with aspartic acid.
Molecular consequence: missense variant.
Genome position (GRCh38, 1-based): chr9:78,253,234, G>A. VCF-style: chr9-78253234-G-A. GRCh37 (hg19) VCF-style: chr9-80868150-G-A.
Other names: c.1211G>A, p.Gly404Asp (NM_001098802.3, NM_001349839.2, NM_001349840.2 and 1 more transcripts); c.1208G>A, p.Gly403Asp (NM_001330693.3, NM_001330694.2, NM_001349838.2); c.1211G>A (NM_001098802.1); short protein forms G403D, G404D.
Identifiers: ClinVar variation 1371129 (VCV001371129.8), dbSNP rs2118316583, ClinGen allele CA373860096.
Genomic context (GRCh38, chr9:78,253,234, plus strand): 5'-TGTTAACTGGTGGTGTATTTACATCAAAATATAACTTAATTTATCGATATCTTTTTAGGG[G>A]TTTCCCATTAATCAAAACACGTGATATATGTAATCAGTTGCAGGTACGTAGTTACCATGT-3'
Protein context (NP_001317620.1, residues 393-413): RTAERAKRHR[Gly403Asp]FPLIKTRDIC

ClinVar aggregate classification (germline): Uncertain significance. Review status: criteria provided, multiple submitters, no conflicts (2 of 4 stars). 2 submissions from 2 submitters: Uncertain significance (2). Last evaluated 2025-01-04.

Conditions:
Inborn genetic diseases. Identifiers: MedGen C0950123, MeSH D030342.

Submissions (2):

Ambry Genetics
Classification: Uncertain significance for Inborn genetic diseases. Last evaluated: 2025-01-04. Review status: criteria provided, single submitter. Criteria: Ambry Variant Classification Scheme 2023. Collection method: clinical testing. Allele origin: germline.

Labcorp Genetics (formerly Invitae), Labcorp
Classification: Uncertain significance. Last evaluated: 2022-07-30. Review status: criteria provided, single submitter. Criteria: Invitae Variant Classification Sherloc (09022015). Collection method: clinical testing. Allele origin: germline.
Comment: In summary, the available evidence is currently insufficient to determine the role of this variant in disease. Therefore, it has been classified as a Variant of Uncertain Significance. This sequence change replaces glycine, which is neutral and non-polar, with aspartic acid, which is acidic and polar, at codon 404 of the CEP78 protein (p.Gly404Asp). This variant is not present in population databases (gnomAD no frequency). This variant has not been reported in the literature in individuals affected with CEP78-related conditions. ClinVar contains an entry for this variant (Variation ID: 1371129). Algorithms developed to predict the effect of missense changes on protein structure and function are either unavailable or do not agree on the potential impact of this missense change (SIFT: "Tolerated"; PolyPhen-2: "Possibly Damaging"; Align-GVGD: "Class C0").